The following is an entry in ClinVar:

NM_000551.4(VHL):c.340+716G>A

Genes: VHL (von Hippel-Lindau tumor suppressor; plus strand), LOC107303340 (3p25 von Hippel-Lindau tumor suppressor, E3 ubiquitin protein ligase Alu-mediated recombination region; plus strand). Cytogenetic location: 3p25.3.
Variant type: single nucleotide variant.
Coding change: c.340+716G>A on transcript NM_000551.4 (MANE Select); 716 bases into the intron after coding-DNA position 340, G replaced by A.
Molecular consequence: intron variant. On other transcripts: missense variant (1).
Genome position (GRCh38, 1-based): chr3:10,142,903, G>A. VCF-style: chr3-10142903-G-A. GRCh37 (hg19) VCF-style: chr3-10184587-G-A.
Other names: c.481G>A, p.Gly161Arg (NM_001354723.2); c.340+716G>A (NM_198156.3); short protein forms G161R.
Identifiers: ClinVar variation 1034798 (VCV001034798.9), dbSNP rs1696162086, ClinGen allele CA1345067404.

ClinVar aggregate classification (germline): Uncertain significance (1 of 4 stars; one submission).

Conditions:
Chuvash polycythemia. Also called: POLYCYTHEMIA, VHL-DEPENDENT. Identifiers: Orphanet 238557, MedGen C1837915, MONDO:0009892, OMIM 263400.
Von Hippel-Lindau syndrome (VHLS). Also called: Von Hippel-Lindau; VHL syndrome; von Hippel–Lindau syndrome. Identifiers: Orphanet 892, MedGen C0019562, MONDO:0008667, OMIM 193300. Disease mechanism: loss of function.

Submission:

Labcorp Genetics (formerly Invitae), Labcorp
Classification: Uncertain significance for Von Hippel-Lindau syndrome; Chuvash polycythemia. Last evaluated: 2021-05-13. Review status: criteria provided, single submitter. Criteria: Invitae Variant Classification Sherloc (09022015). Collection method: clinical testing. Allele origin: germline.
Comment: In summary, the available evidence is currently insufficient to determine the role of this variant in disease. Therefore, it has been classified as a Variant of Uncertain Significance. Algorithms developed to predict the effect of sequence changes on RNA splicing suggest that this variant may create or strengthen a splice site, but this prediction has not been confirmed by published transcriptional studies. This variant has not been reported in the literature in individuals with VHL-related conditions. The frequency data for this variant in the population databases is considered unreliable, as metrics indicate insufficient coverage at this position in the ExAC database. This sequence change falls in intron 1 of the VHL gene. It does not directly change the encoded amino acid sequence of the VHL protein, but it affects a nucleotide within the consensus splice site of the intron.